The following is an entry in ClinVar:

ClinVar aggregate classification (germline): Uncertain significance. Review status: criteria provided, multiple submitters, no conflicts (2 of 4 stars). 3 submissions from 3 submitters: Uncertain significance (3). Last evaluated 2024-09-18.

Conditions:
Hereditary cancer-predisposing syndrome. Also called: Neoplastic Syndromes, Hereditary; Hereditary neoplastic syndrome; Tumor predisposition; Hereditary Cancer Syndrome. Identifiers: Orphanet 140162, MedGen C0027672, MeSH D009386, MONDO:0015356.
Oligodontia-cancer predisposition syndrome. Also called: TOOTH AGENESIS-COLORECTAL CANCER SYNDROME. Identifiers: Orphanet 300576, MedGen C1837750, MONDO:0012075, OMIM 608615. Disease mechanism: loss of function.

Allele frequency attached by ClinVar (database versions not stated): gnomAD 0.00001; gnomAD exomes 0.00001; TOPMed 0.00001.

Submissions (3):

Labcorp Genetics (formerly Invitae), Labcorp
Classification: Uncertain significance for Oligodontia-cancer predisposition syndrome. Last evaluated: 2024-09-18. Review status: criteria provided, single submitter. Criteria: Invitae Variant Classification Sherloc (09022015). Collection method: clinical testing. Allele origin: germline.
Comment: This sequence change replaces asparagine, which is neutral and polar, with serine, which is neutral and polar, at codon 344 of the AXIN2 protein (p.Asn344Ser). This variant is present in population databases (no rsID available, gnomAD 0.01%). This variant has not been reported in the literature in individuals affected with AXIN2-related conditions. ClinVar contains an entry for this variant (Variation ID: 239973). Invitae Evidence Modeling of protein sequence and biophysical properties (such as structural, functional, and spatial information, amino acid conservation, physicochemical variation, residue mobility, and thermodynamic stability) indicates that this missense variant is expected to disrupt AXIN2 protein function with a positive predictive value of 80%. In summary, the available evidence is currently insufficient to determine the role of this variant in disease. Therefore, it has been classified as a Variant of Uncertain Significance.

Ambry Genetics
Classification: Uncertain significance for Hereditary cancer-predisposing syndrome. Last evaluated: 2023-06-28. Review status: criteria provided, single submitter. Criteria: Ambry Variant Classification Scheme 2023. Collection method: clinical testing. Allele origin: germline.
Comment: The p.N344S variant (also known as c.1031A>G), located in coding exon 3 of the AXIN2 gene, results from an A to G substitution at nucleotide position 1031. The asparagine at codon 344 is replaced by serine, an amino acid with highly similar properties. This amino acid position is highly conserved in available vertebrate species. In addition, this alteration is predicted to be tolerated by in silico analysis. Since supporting evidence is limited at this time, the clinical significance of this alteration remains unclear.

GeneDx
Classification: Uncertain significance. Last evaluated: 2023-05-23. Review status: criteria provided, single submitter. Criteria: GeneDx Variant Classification Process June 2021. Collection method: clinical testing. Allele origin: germline. Affected: yes.
Comment: Not observed at significant frequency in large population cohorts (gnomAD); In silico analysis supports that this missense variant has a deleterious effect on protein structure/function; Has not been previously published as pathogenic or benign to our knowledge; This variant is associated with the following publications: (PMID: 15735151)

NM_004655.4(AXIN2):c.1031A>G (p.Asn344Ser)

Gene: AXIN2 (axin 2; minus strand). Cytogenetic location: 17q24.1.
Variant type: single nucleotide variant.
Coding change: c.1031A>G on transcript NM_004655.4 (MANE Select); coding-DNA position 1031, A replaced by G.
Protein change: p.Asn344Ser; replaces asparagine 344 with serine.
Molecular consequence: missense variant.
Genome position (GRCh38, 1-based): chr17:65,541,483, T>C on the plus strand (A>G on the coding strand, the complement: AXIN2 is on the minus strand). VCF-style: chr17-65541483-T-C. GRCh37 (hg19) VCF-style: chr17-63537601-T-C.
Other names: c.1031A>G, p.Asn344Ser (NM_001363813.1); c.1031A>G (LRG_296t1); short protein forms N344S.
Identifiers: ClinVar variation 239973 (VCV000239973.13), dbSNP rs878854715, ClinGen allele CA10583655.
Genomic context (GRCh38, chr17:65,541,483, plus strand): 5'-ACAGCTGTCTCCTCACTCCAGACTGTACTCACCGGGAAATGAGGTAGAGACACTTGGCCA[T>C]TGGCCTTCACACTGCGATGCATTTCTCTCTGGAGCTGTTTCTTACTGCCCACACGATAAG-3'
Protein context (NP_004646.3, residues 334-354): QREMHRSVKA[Asn344Ser]GQVSLPHFPR